The following is an entry in ClinVar:

NM_002187.3(IL12B):c.862A>G (p.Arg288Gly)

Gene: IL12B (interleukin 12B; minus strand). Cytogenetic location: 5q33.3.
Variant type: single nucleotide variant.
Coding change: c.862A>G on transcript NM_002187.3 (MANE Select); coding-DNA position 862, A replaced by G.
Protein change: p.Arg288Gly; replaces arginine 288 with glycine.
Molecular consequence: missense variant.
Genome position (GRCh38, 1-based): chr5:159,316,810, T>C on the plus strand (A>G on the coding strand, the complement: IL12B is on the minus strand). VCF-style: chr5-159316810-T-C. GRCh37 (hg19) VCF-style: chr5-158743818-T-C.
Other names: c.862A>G (NM_002187.2); short protein forms R288G.
Identifiers: ClinVar variation 1441180 (VCV001441180.9), dbSNP rs776481806, ClinGen allele CA3538685.

ClinVar aggregate classification (germline): Uncertain significance. Review status: criteria provided, multiple submitters, no conflicts (2 of 4 stars). 2 submissions from 2 submitters: Uncertain significance (2). Last evaluated 2025-09-10.

Conditions:
Inborn genetic diseases. Identifiers: MedGen C0950123, MeSH D030342.
Mendelian susceptibility to mycobacterial diseases due to complete IL12B deficiency. Also called: Immunodeficiency 29; IL12B DEFICIENCY. Identifiers: Orphanet 319558, MedGen C4013948, MONDO:0013954, OMIM 614890.

Allele frequency attached by ClinVar (database versions not stated): TOPMed 0.00001; gnomAD exomes 0.00002 and 0.00004; ExAC 0.00003.
gnomAD v4.1: 29 of 1,614,026 alleles (0.0018%); highest among the groups gnomAD compares: Non-Finnish European, 0.0016%; no homozygotes.

Submissions (2):

Ambry Genetics
Classification: Uncertain significance for Inborn genetic diseases. Last evaluated: 2025-09-10. Review status: criteria provided, single submitter. Criteria: Ambry Variant Classification Scheme 2023. Collection method: clinical testing. Allele origin: germline.

Labcorp Genetics (formerly Invitae), Labcorp
Classification: Uncertain significance for Mendelian susceptibility to mycobacterial diseases due to complete IL12B deficiency. Last evaluated: 2021-05-17. Review status: criteria provided, single submitter. Criteria: Invitae Variant Classification Sherloc (09022015). Collection method: clinical testing. Allele origin: germline.
Comment: In summary, the available evidence is currently insufficient to determine the role of this variant in disease. Therefore, it has been classified as a Variant of Uncertain Significance. This sequence change replaces arginine with glycine at codon 288 of the IL12B protein (p.Arg288Gly). The arginine residue is weakly conserved and there is a moderate physicochemical difference between arginine and glycine. This variant is present in population databases (rs776481806, ExAC 0.006%). This variant has not been reported in the literature in individuals with IL12B-related conditions. Algorithms developed to predict the effect of missense changes on protein structure and function (SIFT, PolyPhen-2, Align-GVGD) all suggest that this variant is likely to be tolerated, but these predictions have not been confirmed by published functional studies and their clinical significance is uncertain.